The following is an entry in ClinVar:

NM_001267550.2(TTN):c.46511A>G (p.Asn15504Ser)

Genes: TTN (titin; minus strand), TTN-AS1 (TTN antisense RNA 1; plus strand). Cytogenetic location: 2q31.2.
Variant type: single nucleotide variant.
Coding change: c.46511A>G on transcript NM_001267550.2 (MANE Select); coding-DNA position 46511, A replaced by G.
Protein change: p.Asn15504Ser; replaces asparagine 15504 with serine.
Molecular consequence: missense variant. On other transcripts: non-coding transcript variant (1).
Genome position (GRCh38, 1-based): chr2:178,619,806, T>C on the plus strand (A>G on the coding strand, the complement: TTN is on the minus strand). VCF-style: chr2-178619806-T-C. GRCh37 (hg19) VCF-style: chr2-179484533-T-C.
Other names: c.41588A>G, p.Asn13863Ser (NM_001256850.1); c.19316A>G, p.Asn6439Ser (NM_003319.4); c.38807A>G, p.Asn12936Ser (NM_133378.4); c.19691A>G, p.Asn6564Ser (NM_133432.3); c.19892A>G, p.Asn6631Ser (NM_133437.4); short protein forms N12936S, N13863S, N15504S, N6439S, N6564S, N6631S.
Identifiers: ClinVar variation 2637039 (VCV002637039.3), dbSNP rs1184631064, ClinGen allele CA349625586.

ClinVar aggregate classification (germline): Uncertain significance. Review status: criteria provided, multiple submitters, no conflicts (2 of 4 stars). 3 submissions from 3 submitters: Uncertain significance (3). Last evaluated 2025-02-03.

Conditions:
TTN-related disorder. Also called: TTN-related condition; TTN-related disease; TTN-related disorders.

Allele frequency attached by ClinVar (database versions not stated): gnomAD 0.00001; gnomAD exomes 0.00001; TOPMed 0.00002.
gnomAD v4.1: 11 of 1,612,182 alleles (0.00068%); highest among the groups gnomAD compares: Admixed American, 0.0067%; no homozygotes.

Submissions (3):

Women's Health and Genetics/Laboratory Corporation of America, LabCorp
Classification: Uncertain significance. Last evaluated: 2025-02-03. Review status: criteria provided, single submitter. Criteria: LabCorp Variant Classification Summary - May 2015. Collection method: clinical testing. Allele origin: germline.

GeneDx
Classification: Uncertain significance. Last evaluated: 2024-12-12. Review status: criteria provided, single submitter. Criteria: GeneDx Variant Classification Process June 2021. Collection method: clinical testing. Allele origin: germline. Affected: yes.
Comment: Not observed at significant frequency in large population cohorts (gnomAD); Missense variant in a gene in which most reported pathogenic variants are truncating/loss of function; Has not been previously published as pathogenic or benign to our knowledge

PreventionGenetics, part of Exact Sciences
Classification: Uncertain significance for TTN-related condition. Last evaluated: 2022-09-28. Review status: criteria provided, single submitter. Criteria: ACMG Guidelines, 2015. Collection method: clinical testing. Allele origin: germline.
Comment: The TTN c.46511A>G variant is predicted to result in the amino acid substitution p.Asn15504Ser. To our knowledge, this variant has not been reported in the literature. This variant is reported in 0.0058% of alleles in individuals of Latino descent in gnomAD. At this time, the clinical significance of this variant is uncertain due to the absence of conclusive functional and genetic evidence.